The following is an entry in ClinVar:

NM_000018.4(ACADVL):c.1150G>C (p.Ala384Pro)

Gene: ACADVL (acyl-CoA dehydrogenase very long chain; plus strand). Cytogenetic location: 17p13.1.
Variant type: single nucleotide variant.
Coding change: c.1150G>C on transcript NM_000018.4 (MANE Select); coding-DNA position 1150, G replaced by C.
Protein change: p.Ala384Pro; replaces alanine 384 with proline.
Molecular consequence: missense variant.
Genome position (GRCh38, 1-based): chr17:7,223,205, G>C. VCF-style: chr17-7223205-G-C. GRCh37 (hg19) VCF-style: chr17-7126524-G-C.
Other names: c.1150G>C (NM_000018.2); c.1084G>C, p.Ala362Pro (NM_001033859.3); c.1219G>C, p.Ala407Pro (NM_001270447.2); c.922G>C, p.Ala308Pro (NM_001270448.2); short protein forms A407P, A384P, A362P, A308P.
Identifiers: ClinVar variation 3716912 (VCV003716912.3).
Genomic context (GRCh38, chr17:7,223,205, plus strand): 5'-ACTAATCGTACCCAGTTTGGGGAGAAAATTCACAACTTTGGGCTGATCCAGGAGAAGCTG[G>C]CACGGATGGTTATGCTGCAGTATGTAACTGAGGTGAGGGCCTCCCAAGCCCCTCTCCCTG-3'
Protein context (NP_000009.1, residues 374-394): HNFGLIQEKL[Ala384Pro]RMVMLQYVTE

ClinVar aggregate classification (germline): Uncertain significance. Review status: criteria provided, multiple submitters, no conflicts (2 of 4 stars). 2 submissions from 2 submitters: Uncertain significance (2). Last evaluated 2025-12-22.

Conditions:
Inborn genetic diseases. Identifiers: MedGen C0950123, MeSH D030342.
Very long chain acyl-CoA dehydrogenase deficiency (ACADVLD). Also called: Very Long-Chain Acyl-Coenzyme A Dehydrogenase Deficiency; VLCAD Deficiency. Identifiers: Orphanet 26793, MedGen C3887523, MONDO:0008723, OMIM 201475.

Submissions (2):

Ambry Genetics
Classification: Uncertain significance for Inborn genetic diseases. Last evaluated: 2025-12-22. Review status: criteria provided, single submitter. Criteria: Ambry Variant Classification Scheme 2023. Collection method: clinical testing. Allele origin: germline.

Labcorp Genetics (formerly Invitae), Labcorp
Classification: Uncertain significance for Very long chain acyl-CoA dehydrogenase deficiency. Last evaluated: 2024-05-21. Review status: criteria provided, single submitter. Criteria: Invitae Variant Classification Sherloc (09022015). Collection method: clinical testing. Allele origin: germline.
Comment: This sequence change replaces alanine, which is neutral and non-polar, with proline, which is neutral and non-polar, at codon 384 of the ACADVL protein (p.Ala384Pro). This variant is not present in population databases (gnomAD no frequency). This variant has not been reported in the literature in individuals affected with ACADVL-related conditions. Advanced modeling of protein sequence and biophysical properties (such as structural, functional, and spatial information, amino acid conservation, physicochemical variation, residue mobility, and thermodynamic stability) performed at Invitae indicates that this missense variant is expected to disrupt ACADVL protein function with a positive predictive value of 95%. In summary, the available evidence is currently insufficient to determine the role of this variant in disease. Therefore, it has been classified as a Variant of Uncertain Significance.